The following is an entry in ClinVar:

ClinVar aggregate classification (germline): Pathogenic. Review status: criteria provided, multiple submitters, no conflicts (2 of 4 stars). 11 submissions from 10 submitters: Pathogenic (9). 2 of the submissions do not count toward it. Last evaluated 2026-05-15.

Conditions:
Rare genetic deafness. Identifiers: Orphanet 96210, MedGen C5680250.
SLC26A4-related disorder. Also called: SLC26A4-related condition; SLC26A4-related disorders.
Autosomal recessive nonsyndromic hearing loss 4 (DFNB4). Also called: Nonsyndromic enlarged vestibular aqueduct (NSEVA); Deafness, autosomal recessive 4, with enlarged vestibular aqueduct; FOXI1-Related Pendred Syndrome; KCNJ10-Related Pendred Syndrome; NEUROSENSORY NONSYNDROMIC RECESSIVE DEAFNESS 4; Deafness, autosomal recessive 4. Identifiers: Orphanet 90636, MedGen C3538946, MONDO:0010933, OMIM 600791.
Pendred syndrome (PDS). Also called: Pendred's syndrome; THYROID DYSHORMONOGENESIS 2B; THYROID HORMONOGENESIS, GENETIC DEFECT IN, 2B; Pendred Syndrome (PDS); DEAFNESS WITH GOITER; GOITER-DEAFNESS SYNDROME. Identifiers: Orphanet 705, MedGen C0271829, MONDO:0010134, OMIM 274600.

Allele frequency attached by ClinVar (database versions not stated): gnomAD exomes below 0.00001 and 0.00001; ExAC 0.00002; gnomAD 0.00003; TOPMed 0.00003.
gnomAD v4.1: 10 of 1,253,828 alleles (0.0008%); highest among the groups gnomAD compares: African/African-American, 0.0074%; no homozygotes.

Submissions (11):

PreventionGenetics, part of Exact Sciences
Classification: Pathogenic for SLC26A4-related condition. Last evaluated: 2026-05-15. Review status: criteria provided, single submitter. Criteria: ACMG Guidelines, 2015. Collection method: clinical testing. Allele origin: germline.
Comment: The SLC26A4 c.2089+1G>A variant is predicted to disrupt the GT donor site and interfere with normal splicing. This variant, also described as IVS18+1G>A in legacy literature, has been reported in the homozygous state or in the compound heterozygous state with another SLC264A variant in multiple individuals with SLC26A4-related autosomal recessive conditions (Blons et al. 2004. PubMed ID: 15355436 Sheppard et al. 2018. PubMed ID: 29907799; Sklenar et al. 2025. PubMed ID: 40426046) and has segregated with the disorder in one family (Klarov et al. 2022. PubMed ID: 36499699). This variant is reported in 0.022% of alleles in individuals of African descent in gnomAD and is classified as pathogenic in ClinVar (Variation ID: 165263). Variants that disrupt the consensus splice donor site in SLC26A4 are expected to be pathogenic. This variant is interpreted as pathogenic.

Natera, Inc.
Classification: Pathogenic for Pendred syndrome. Last evaluated: 2025-09-10. Review status: criteria provided, single submitter. Criteria: Natera Variant Classification Schema (03/2026). Collection method: clinical testing. Allele origin: germline.
Comment: The c.2089+1G>A variant in SLC26A4 is a canonical splice donor site variant predicted to affect pre-mRNA splicing, which may result in an abnormal transcript and altered protein product. This variant is expected to result in nonsense mediated decay, truncation, or a dysfunctional protein product. This variant is rare in the general population with a frequency below the threshold expected for the associated phenotype(s). This variant has been observed in one or more individuals affected with the associated recessive disease, as either homozygous or compound heterozygous with a second variant (PMID: 24224479). Given the available evidence, this variant is classified as Pathogenic.

Labcorp Genetics (formerly Invitae), Labcorp
Classification: Pathogenic. Last evaluated: 2024-07-24. Review status: criteria provided, single submitter. Criteria: Invitae Variant Classification Sherloc (09022015). Collection method: clinical testing. Allele origin: germline.
Comment: This sequence change affects a donor splice site in intron 18 of the SLC26A4 gene. It is expected to disrupt RNA splicing. Variants that disrupt the donor or acceptor splice site typically lead to a loss of protein function (PMID: 16199547), and loss-of-function variants in SLC26A4 are known to be pathogenic (PMID: 16283880, 25394566, 26252218, 26445815). This variant is present in population databases (rs727503430, gnomAD 0.02%). Disruption of this splice site has been observed in individuals with Pendred syndrome (PMID: 2422447, 15355436). ClinVar contains an entry for this variant (Variation ID: 165263). Algorithms developed to predict the effect of sequence changes on RNA splicing suggest that this variant may disrupt the consensus splice site. For these reasons, this variant has been classified as Pathogenic.

Baylor Genetics
Classification: Pathogenic for Autosomal recessive nonsyndromic hearing loss 4. Last evaluated: 2024-01-16. Review status: criteria provided, single submitter. Criteria: ACMG Guidelines, 2015. Collection method: clinical testing. Allele origin: unknown.

Women's Health and Genetics/Laboratory Corporation of America, LabCorp
Classification: Pathogenic for Pendred syndrome. Last evaluated: 2022-07-15. Review status: criteria provided, single submitter. Criteria: LabCorp Variant Classification Summary - May 2015. Collection method: clinical testing. Allele origin: germline.
Comment: Variant summary: SLC26A4 c.2089+1G>A is located in a canonical splice-site and is predicted to affect mRNA splicing resulting in a significantly altered protein due to either exon skipping, shortening, or inclusion of intronic material. Several computational tools predict a significant impact on normal splicing: Three predict the variant abolishes a 5' splicing donor site. However, these predictions have yet to be confirmed by functional studies. The variant allele was found at a frequency of 1.3e-05 in 222764 control chromosomes (gnomAD). The variant, c.2089+1G>A, has been reported in the literature in homozygous and compound heterozygous state in individuals affected with hearing loss, with- or without the thyroid signs that are characteristic for Pendred Syndrome (e.g. Albert_2006, Ladsous_2014, Sheppard_2018). These data indicate that the variant is likely to be associated with disease. To our knowledge, no experimental evidence demonstrating an impact on protein function has been reported. Six clinical diagnostic laboratories have submitted clinical-significance assessments for this variant to ClinVar after 2014, and all laboratories classified the variant as pathogenic. Based on the evidence outlined above, the variant was classified as pathogenic.

Genome-Nilou Lab
Classification: Pathogenic for Autosomal recessive nonsyndromic hearing loss 4. Last evaluated: 2021-09-05. Review status: criteria provided, single submitter. Criteria: ACMG Guidelines, 2015. Collection method: clinical testing. Allele origin: germline. Affected: no.

Genome-Nilou Lab
Classification: Pathogenic for Pendred syndrome. Last evaluated: 2021-09-05. Review status: criteria provided, single submitter. Criteria: ACMG Guidelines, 2015. Collection method: clinical testing. Allele origin: germline. Affected: no.

GeneDx
Classification: Pathogenic. Last evaluated: 2017-05-03. Review status: criteria provided, single submitter. Criteria: GeneDx Variant Classification (06012015). Collection method: clinical testing. Allele origin: germline. Affected: yes.
Comment: The c.2089+1G>A variant in the SLC26A4 gene has been reported previously in the presence of another SLC26A4 variant, in individuals with Pendred syndrome, exhibiting sensorineural hearing loss, vestibular aqueductal enlargement and both with and without thyroid involvement (Blons et al., 2004; Banghova et al., 2008; Ladsous et al., 2014). This splice site variant destroys the canonical splice donor site in intron 18. It is predicted to cause abnormal gene splicing, either leading to an abnormal message that is subject to nonsense-mediated mRNA decay, or to an abnormal protein product if the message is used for protein translation. The c.2089+1G>A variant is not observed at a significant frequency in large population cohorts (Lek et al., 2016; 1000 Genomes Consortium et al., 2015; Exome Variant Server). We interpret c.2089+1G>A as a pathogenic variant.

Laboratory for Molecular Medicine, Mass General Brigham Personalized Medicine
Classification: Pathogenic for Rare genetic deafness. Last evaluated: 2014-04-11. Review status: criteria provided, single submitter. Criteria: LMM Criteria. Collection method: clinical testing. Allele origin: germline. Inheritance: Autosomal recessive inheritance. Observed: 1 variant allele.
Comment: The 2089+1G>A variant in SLC26A4 has been previously identified in two individua ls with Pendred syndrome and segregated with disease in an affected sibling of one of these individuals (Blons 2004, Banghova 2008). This variant was absent fr om large population studies. The variant occurs in the invariant region (+1/2) o f the 5? splice consensus sequence and is predicted to cause altered splicing le ading to an abnormal or absent protein. In summary, this variant meets our crite ria to be classified as pathogenic.

Counsyl
Classification: Likely pathogenic for Pendred syndrome. Last evaluated: 2016-02-02. Review status: no assertion criteria provided. Collection method: clinical testing. Allele origin: unknown. Not counted in ClinVar's aggregate classification.

Division of Human Genetics, Children's Hospital of Philadelphia
Classification: Pathogenic for Autosomal recessive nonsyndromic hearing loss 4. Last evaluated: 2015-09-25. Review status: no assertion criteria provided. Collection method: research. Allele origin: germline. Affected: yes. Study: CSER-PediSeq. Not counted in ClinVar's aggregate classification.

Literature cited by the submitters: PubMed 24224479 (cited by 4 submitters); PubMed 16199547 (cited by Labcorp Genetics (formerly Invitae), Labcorp); PubMed 16283880 (cited by Labcorp Genetics (formerly Invitae), Labcorp); PubMed 25394566 (cited by Labcorp Genetics (formerly Invitae), Labcorp); PubMed 26252218 (cited by Labcorp Genetics (formerly Invitae), Labcorp); PubMed 26445815 (cited by Labcorp Genetics (formerly Invitae), Labcorp); PubMed 2422447 (cited by Labcorp Genetics (formerly Invitae), Labcorp); PubMed 15355436 (cited by 4 submitters); PubMed 29907799 (cited by Women's Health and Genetics/Laboratory Corporation of America, LabCorp); PubMed 16570074 (cited by Women's Health and Genetics/Laboratory Corporation of America, LabCorp); PubMed 17876604 (cited by 3 submitters); PubMed 25372295 (cited by Counsyl); PubMed 20301640 (cited by Division of Human Genetics, Children's Hospital of Philadelphia).

NM_000441.2(SLC26A4):c.2089+1G>A

Gene: SLC26A4 (solute carrier family 26 member 4; plus strand). Cytogenetic location: 7q22.3.
Variant type: single nucleotide variant.
Coding change: c.2089+1G>A on transcript NM_000441.2 (MANE Select); the canonical splice donor site of the intron after coding-DNA position 2089, G replaced by A.
Molecular consequence: splice donor variant.
Genome position (GRCh38, 1-based): chr7:107,704,386, G>A. VCF-style: chr7-107704386-G-A. GRCh37 (hg19) VCF-style: chr7-107344831-G-A.
Identifiers: ClinVar variation 165263 (VCV000165263.28), dbSNP rs727503430, ClinGen allele CA273227.